The following is an entry in ClinVar:

ClinVar aggregate classification (germline): Uncertain significance. Review status: criteria provided, multiple submitters, no conflicts (2 of 4 stars). 2 submissions from 2 submitters: Uncertain significance (2). Last evaluated 2025-08-10.

Allele frequency attached by ClinVar (database versions not stated): ExAC 0.00001; gnomAD exomes 0.00001; gnomAD 0.00003; TOPMed 0.00003; ESP Exome Variant Server 0.00008.
gnomAD v4.1: 20 of 1,613,838 alleles (0.0012%); highest among the groups gnomAD compares: Non-Finnish European, 0.0016%; no homozygotes.

Submissions (2):

Labcorp Genetics (formerly Invitae), Labcorp
Classification: Uncertain significance. Last evaluated: 2025-08-10. Review status: criteria provided, single submitter. Criteria: Invitae Variant Classification Sherloc (09022015). Collection method: clinical testing. Allele origin: germline.
Comment: This sequence change replaces histidine, which is basic and polar, with tyrosine, which is neutral and polar, at codon 707 of the SUCO protein (p.His707Tyr). This variant is present in population databases (rs374716987, gnomAD 0.0009%). This variant has not been reported in the literature in individuals affected with SUCO-related conditions. ClinVar contains an entry for this variant (Variation ID: 2271865). An algorithm developed to predict the effect of missense changes on protein structure and function (PolyPhen-2) suggests that this variant is likely to be tolerated. In summary, the available evidence is currently insufficient to determine the role of this variant in disease. Therefore, it has been classified as a Variant of Uncertain Significance.

Ambry Genetics
Classification: Uncertain significance. Last evaluated: 2022-01-18. Review status: criteria provided, single submitter. Criteria: Ambry Variant Classification Scheme 2023. Collection method: clinical testing. Allele origin: germline.

NM_014283.5(SUCO):c.2119C>T (p.His707Tyr)

Gene: SUCO (SUN domain containing ossification factor; plus strand). Cytogenetic location: 1q24.3.
Variant type: single nucleotide variant.
Coding change: c.2119C>T on transcript NM_014283.5 (MANE Select); coding-DNA position 2119, C replaced by T.
Protein change: p.His707Tyr; replaces histidine 707 with tyrosine.
Molecular consequence: missense variant. On other transcripts: intron variant (1).
Genome position (GRCh38, 1-based): chr1:172,589,220, C>T. VCF-style: chr1-172589220-C-T. GRCh37 (hg19) VCF-style: chr1-172558360-C-T.
Other names: c.430C>T, p.His144Tyr (NM_001282751.2); c.2572C>T, p.His858Tyr (NM_016227.4); c.1712+296C>T (NM_001282750.2); short protein forms H707Y, H144Y, H858Y.
Identifiers: ClinVar variation 2271865 (VCV002271865.3), dbSNP rs374716987, ClinGen allele CA1247030.